The following is an entry in ClinVar:

ClinVar aggregate classification (germline): Uncertain significance. Review status: criteria provided, multiple submitters, no conflicts (2 of 4 stars). 3 submissions from 3 submitters: Uncertain significance (3). Last evaluated 2024-01-04.

Conditions:
Nephronophthisis. Also called: Juvenile Nephronophthisis. Identifiers: Orphanet 655, MedGen C0687120, MONDO:0019005, HP:0000090.
Nephronophthisis 3 (NPHP3). Also called: Adolescent nephronophthisis. Identifiers: Orphanet 655, MedGen C1858392, MONDO:0011456, OMIM 604387.
Renal-hepatic-pancreatic dysplasia 1 (RHPD1). Identifiers: MedGen C3715199, MONDO:0008833, OMIM 208540.
NPHP3-related Meckel-like syndrome. Also called: GOLDSTON SYNDROME; Meckel syndrome type 7. Identifiers: Orphanet 3032, MedGen C2673885, MONDO:0009966, OMIM 267010.

Allele frequency attached by ClinVar (database versions not stated): gnomAD exomes below 0.00001; TOPMed below 0.00001; ESP Exome Variant Server 0.00008.
gnomAD v4.1: 1 of 1,613,530 alleles (0.000062%); highest among the groups gnomAD compares: Non-Finnish European, 0.000085%; no homozygotes.

Submissions (3):

Fulgent Genetics
Classification: Uncertain significance for Renal-hepatic-pancreatic dysplasia 1; NPHP3-related Meckel-like syndrome; Nephronophthisis 3. Last evaluated: 2024-01-04. Review status: criteria provided, single submitter. Criteria: ACMG Guidelines, 2015. Collection method: clinical testing. Allele origin: germline.

Labcorp Genetics (formerly Invitae), Labcorp
Classification: Uncertain significance for Nephronophthisis. Last evaluated: 2019-10-04. Review status: criteria provided, single submitter. Criteria: Invitae Variant Classification Sherloc (09022015). Collection method: clinical testing. Allele origin: germline.
Comment: In summary, the available evidence is currently insufficient to determine the role of this variant in disease. Therefore, it has been classified as a Variant of Uncertain Significance. Algorithms developed to predict the effect of missense changes on protein structure and function (SIFT, PolyPhen-2, Align-GVGD) all suggest that this variant is likely to be disruptive, but these predictions have not been confirmed by published functional studies and their clinical significance is uncertain. This variant has not been reported in the literature in individuals with NPHP3-related conditions. This variant is not present in population databases (ExAC no frequency). This sequence change replaces leucine with arginine at codon 1109 of the NPHP3 protein (p.Leu1109Arg). The leucine residue is highly conserved and there is a moderate physicochemical difference between leucine and arginine.

GeneDx
Classification: Uncertain significance. Last evaluated: 2019-07-15. Review status: criteria provided, single submitter. Criteria: GeneDx Variant Classification Process June 2021. Collection method: clinical testing. Allele origin: germline. Affected: yes.
Comment: Has not been previously published as pathogenic or benign to our knowledge; In silico analysis, which includes protein predictors and evolutionary conservation, supports that this variant does not alter protein structure/function

NM_153240.5(NPHP3):c.3326T>G (p.Leu1109Arg)

Genes: NPHP3 (nephrocystin 3; minus strand), NPHP3-ACAD11 (NPHP3-ACAD11 readthrough (NMD candidate); minus strand). Cytogenetic location: 3q22.1.
Variant type: single nucleotide variant.
Coding change: c.3326T>G on transcript NM_153240.5 (MANE Select); coding-DNA position 3326, T replaced by G.
Protein change: p.Leu1109Arg; replaces leucine 1109 with arginine.
Molecular consequence: missense variant. On other transcripts: non-coding transcript variant (1).
Genome position (GRCh38, 1-based): chr3:132,686,263, A>C on the plus strand (T>G on the coding strand, the complement: NPHP3 is on the minus strand). VCF-style: chr3-132686263-A-C. GRCh37 (hg19) VCF-style: chr3-132405107-A-C.
Other names: short protein forms L1109R.
Identifiers: ClinVar variation 946581 (VCV000946581.11), dbSNP rs369704665, ClinGen allele CA83583058.
Genomic context (GRCh38, chr3:132,686,263, plus strand): 5'-CATTGCATCAAAGAGAAAATGGTTAATTATTTTCATTATTAACCCCATGGTACTCACTCC[A>C]GGTTATTTTGAAGATAGTAGAGAACACCCAGTTCATTGAGGGTCCGAGCATTATCAGGTG-3'
Protein context (NP_694972.3, residues 1099-1119): LGVLYYLQNN[Leu1109Arg]ETADQFLKRS